The following is an entry in ClinVar:

NM_001754.5(RUNX1):c.236T>C (p.Val79Ala)

Gene: RUNX1 (RUNX family transcription factor 1; minus strand). Cytogenetic location: 21q22.12.
Variant type: single nucleotide variant.
Coding change: c.236T>C on transcript NM_001754.5 (MANE Select); coding-DNA position 236, T replaced by C.
Protein change: p.Val79Ala; replaces valine 79 with alanine.
Molecular consequence: missense variant.
Genome position (GRCh38, 1-based): chr21:34,886,958, A>G on the plus strand (T>C on the coding strand, the complement: RUNX1 is on the minus strand). VCF-style: chr21-34886958-A-G. GRCh37 (hg19) VCF-style: chr21-36259255-A-G.
Other names: NM_001754.5(RUNX1):c.236T>C; p.Val79Ala; c.236T>C (NM_001754.4); c.155T>C, p.Val52Ala (NM_001001890.3, NM_001122607.2); short protein forms V52A, V79A.
Identifiers: ClinVar variation 1481257 (VCV001481257.8), dbSNP rs1601529045, ClinGen allele CA410203831.

ClinVar aggregate classification (germline): Uncertain significance. Review status: reviewed by expert panel (3 of 4 stars). 3 submissions from 3 submitters: Uncertain significance (1). 2 of the submissions do not count toward it. Last evaluated 2024-10-29.

Conditions:
Inborn genetic diseases. Identifiers: MedGen C0950123, MeSH D030342.
Hereditary thrombocytopenia and hematologic cancer predisposition syndrome. Identifiers: Orphanet 71290, MedGen CN281654, MONDO:0011071.
Hereditary thrombocytopenia and hematological cancer predisposition syndrome associated with RUNX1. Also called: Familial Platelet Disorder with Propensity to Acute Myelogenous Leukemia; Familial thrombocytopenia with propensity to acute myelogenous leukemia; PLATELET DISORDER, ASPIRIN-LIKE; RUNX1 Familial Platelet Disorder with Associated Myeloid Malignancies. Identifiers: Orphanet 71290, MedGen C1832388, MeSH C563324, MONDO:0100083, OMIM 601399.

Submissions (3):

ClinGen Myeloid Malignancy Variant Curation Expert Panel
Classification: Uncertain significance for Hereditary thrombocytopenia and hematologic cancer predisposition syndrome. Last evaluated: 2024-10-29. Review status: reviewed by expert panel. Criteria: ClinGen MyeloMalig ACMG Specifications v2. Collection method: curation. Allele origin: germline. Inheritance: Autosomal dominant inheritance.
Comment: NM_001754.5(RUNX1):c.236T>C (p.Val79Ala) is a missense variant which is completely absent from all population databases with at least 20x coverage for RUNX1 (PM2_Supporting). In summary, the clinical significance of this variant is uncertain. ACMG/AMP criteria applied, as specified by the Myeloid Malignancy Variant Curation Expert Panel for RUNX1:: PM2_supporting.

Ambry Genetics
Classification: Uncertain significance for Inborn genetic diseases. Last evaluated: 2026-04-18. Review status: criteria provided, single submitter. Criteria: Ambry Variant Classification Scheme 2023. Collection method: clinical testing. Allele origin: germline. Not counted in ClinVar's aggregate classification.
Comment: The p.V79A variant (also known as c.236T>C), located in coding exon 3 of the RUNX1 gene, results from a T to C substitution at nucleotide position 236. The valine at codon 79 is replaced by alanine, an amino acid with similar properties. This amino acid position is conserved. In addition, the in silico prediction for this alteration is inconclusive. Based on the available evidence, the clinical significance of this variant remains unclear.

Labcorp Genetics (formerly Invitae), Labcorp
Classification: Uncertain significance for Hereditary thrombocytopenia and hematological cancer predisposition syndrome associated with RUNX1. Last evaluated: 2021-10-15. Review status: criteria provided, single submitter. Criteria: Invitae Variant Classification Sherloc (09022015). Collection method: clinical testing. Allele origin: germline. Not counted in ClinVar's aggregate classification.
Comment: In summary, the available evidence is currently insufficient to determine the role of this variant in disease. Therefore, it has been classified as a Variant of Uncertain Significance. Algorithms developed to predict the effect of missense changes on protein structure and function (SIFT, PolyPhen-2, Align-GVGD) all suggest that this variant is likely to be tolerated. This variant has not been reported in the literature in individuals affected with RUNX1-related conditions. This variant is not present in population databases (ExAC no frequency). This sequence change replaces valine with alanine at codon 79 of the RUNX1 protein (p.Val79Ala). The valine residue is moderately conserved and there is a small physicochemical difference between valine and alanine.